The following is an entry in ClinVar:

NM_182760.4(SUMF1):c.103C>T (p.Gln35Ter)

Genes: SUMF1 (sulfatase modifying factor 1; minus strand), LOC129936056 (ATAC-STARR-seq lymphoblastoid silent region 14016; plus strand). Cytogenetic location: 3p26.1.
Variant type: single nucleotide variant.
Coding change: c.103C>T on transcript NM_182760.4 (MANE Select); coding-DNA position 103, C replaced by T.
Protein change: p.Gln35Ter; replaces glutamine 35 with a stop codon.
Molecular consequence: nonsense.
Genome position (GRCh38, 1-based): chr3:4,467,143, G>A on the plus strand (C>T on the coding strand, the complement: SUMF1 is on the minus strand). VCF-style: chr3-4467143-G-A. GRCh37 (hg19) VCF-style: chr3-4508827-G-A.
Other names: c.103C>T, p.Gln35Ter (NM_001164674.2, NM_001164675.2); short protein forms Q35*.
Identifiers: ClinVar variation 2893418 (VCV002893418.4), dbSNP rs1420137773, ClinGen allele CA351794503.
Genomic context (GRCh38, chr3:4,467,143, plus strand): 5'-GCGTGCCGCAGCCGCAAGAACCCGCAAGGGACCCCGCGCCCGCACCGGTCCCGGCCTCCT[G>A]GCTCCCTGCCGCTCCACACAGCAGCGAGAGCAGCAGCAGCAAGAGGACGAGACCCAGCTC-3'

ClinVar aggregate classification (germline): Pathogenic (1 of 4 stars; one submission).

Conditions:
Multiple sulfatase deficiency (MSD). Also called: Mucosulfatidosis; Multiple Sulfatase Deficiency Disease; Sulfatidosis, Juvenile, Austin Type. Identifiers: Orphanet 585, MedGen C0268263, MONDO:0010088, OMIM 272200.

gnomAD v4.1: 1 of 1,577,412 alleles (0.000063%); no homozygotes.

Submission:

Labcorp Genetics (formerly Invitae), Labcorp
Classification: Pathogenic for Multiple sulfatase deficiency. Last evaluated: 2023-06-14. Review status: criteria provided, single submitter. Criteria: Invitae Variant Classification Sherloc (09022015). Collection method: clinical testing. Allele origin: germline.
Comment: This variant is not present in population databases (gnomAD no frequency). This variant has not been reported in the literature in individuals affected with SUMF1-related conditions. For these reasons, this variant has been classified as Pathogenic. This sequence change creates a premature translational stop signal (p.Gln35*) in the SUMF1 gene. It is expected to result in an absent or disrupted protein product. Loss-of-function variants in SUMF1 are known to be pathogenic (PMID: 12757705, 12757706, 25885655).

Literature cited by the submitters: PubMed 12757705; PubMed 12757706; PubMed 25885655.